The following is an entry in ClinVar:

ClinVar aggregate classification (germline): Uncertain significance. Review status: criteria provided, multiple submitters, no conflicts (2 of 4 stars). 3 submissions from 3 submitters: Uncertain significance (3). Last evaluated 2025-12-03.

Conditions:
Breast-ovarian cancer, familial, susceptibility to, 5 (BROVCA5). Identifiers: MedGen C5830615, MONDO:0957530, OMIM 620442.
Hereditary cancer-predisposing syndrome. Also called: Neoplastic Syndromes, Hereditary; Tumor predisposition; Hereditary Cancer Syndrome; Hereditary neoplastic syndrome. Identifiers: Orphanet 140162, MedGen C0027672, MeSH D009386, MONDO:0015356.
Familial cancer of breast. Also called: hereditary breast carcinoma; BREAST CANCER, FAMILIAL; Hereditary breast cancer. Identifiers: Orphanet 227535, MedGen C0346153, MONDO:0016419, OMIM 114480. Disease mechanism: loss of function.

Submissions (3):

Ambry Genetics
Classification: Uncertain significance for Hereditary cancer-predisposing syndrome. Last evaluated: 2025-12-03. Review status: criteria provided, single submitter. Criteria: Ambry Variant Classification Scheme 2023. Collection method: clinical testing. Allele origin: germline.
Comment: The p.F283L variant (also known as c.847T>C), located in coding exon 4 of the PALB2 gene, results from a T to C substitution at nucleotide position 847. The phenylalanine at codon 283 is replaced by leucine, an amino acid with highly similar properties. This amino acid position is poorly conserved in available vertebrate species. In addition, this alteration is predicted to be tolerated by in silico analysis. Since supporting evidence is limited at this time, the clinical significance of this alteration remains unclear.

KCCC/NGS Laboratory, Kuwait Cancer Control Center
Classification: Uncertain significance for Breast-ovarian cancer, familial, susceptibility to, 5. Last evaluated: 2023-07-07. Review status: criteria provided, single submitter. Criteria: ACMG Guidelines, 2015. Collection method: clinical testing. Allele origin: unknown. Affected: yes.
Comment: This sequence change replaces phenylalanine with leucine at codon 283 of the PALB2 protein (p.Phe283Leu). This variant is not present in population databases (gnomAD). In-silico predictions show benign computational verdict based on 13 benign predictions from PolyPhen, BayesDel_addAF, DANN, DEOGEN2, EIGEN, FATHMM-MKL, LIST-S2, M-CAP, MVP, MutationAssessor, MutationTaster, PrimateAI and SIFT vs no pathogenic predictions and the position is not strongly conserved. This variant has not been reported in the literature in individuals with PALB2-related disease. ClinVar does not contain an entry for this variant. These predictions have not been confirmed by published functional studies and their clinical significance is uncertain. Therefore, it has been classified as a Variant of Uncertain Significance.

Labcorp Genetics (formerly Invitae), Labcorp
Classification: Uncertain significance for Familial cancer of breast. Last evaluated: 2022-06-13. Review status: criteria provided, single submitter. Criteria: Invitae Variant Classification Sherloc (09022015). Collection method: clinical testing. Allele origin: germline.
Comment: In summary, the available evidence is currently insufficient to determine the role of this variant in disease. Therefore, it has been classified as a Variant of Uncertain Significance. Algorithms developed to predict the effect of missense changes on protein structure and function output the following: SIFT: "Tolerated"; PolyPhen-2: "Benign"; Align-GVGD: "Class C0". The leucine amino acid residue is found in multiple mammalian species, which suggests that this missense change does not adversely affect protein function. This variant has not been reported in the literature in individuals affected with PALB2-related conditions. This variant is not present in population databases (gnomAD no frequency). This sequence change replaces phenylalanine, which is neutral and non-polar, with leucine, which is neutral and non-polar, at codon 283 of the PALB2 protein (p.Phe283Leu).

NM_024675.4(PALB2):c.847T>C (p.Phe283Leu)

Gene: PALB2 (partner and localizer of BRCA2; minus strand). Cytogenetic location: 16p12.2.
Variant type: single nucleotide variant.
Coding change: c.847T>C on transcript NM_024675.4 (MANE Select); coding-DNA position 847, T replaced by C.
Protein change: p.Phe283Leu; replaces phenylalanine 283 with leucine.
Molecular consequence: missense variant.
Genome position (GRCh38, 1-based): chr16:23,635,699, A>G on the plus strand (T>C on the coding strand, the complement: PALB2 is on the minus strand). VCF-style: chr16-23635699-A-G. GRCh37 (hg19) VCF-style: chr16-23647020-A-G.
Other names: c.787T>C, p.Phe263Leu (NM_001407296.1); c.847T>C, p.Phe283Leu (NM_001407297.1, NM_001407298.1, NM_001407299.1 and 3 more transcripts); c.-39T>C (NM_001407304.1, NM_001407305.1, NM_001407306.1 and 5 more transcripts); short protein forms F263L, F283L.
Identifiers: ClinVar variation 1763541 (VCV001763541.9), dbSNP rs2142432879, ClinGen allele CA395135879.